The following is an entry in ClinVar:

ClinVar aggregate classification (germline): Uncertain significance (1 of 4 stars; one submission).

Conditions:
Hereditary cancer-predisposing syndrome. Also called: Hereditary neoplastic syndrome; Neoplastic Syndromes, Hereditary; Tumor predisposition; Hereditary Cancer Syndrome. Identifiers: Orphanet 140162, MedGen C0027672, MeSH D009386, MONDO:0015356.

gnomAD v4.1: 1 of 1,613,754 alleles (0.000062%); highest among the groups gnomAD compares: Non-Finnish European, 0.000085%; no homozygotes.

Submission:

Ambry Genetics
Classification: Uncertain significance for Hereditary cancer-predisposing syndrome. Last evaluated: 2025-01-23. Review status: criteria provided, single submitter. Criteria: Ambry Variant Classification Scheme 2023. Collection method: clinical testing. Allele origin: germline.
Comment: The p.P316R variant (also known as c.947C>G), located in coding exon 3 of the ALK gene, results from a C to G substitution at nucleotide position 947. The proline at codon 316 is replaced by arginine, an amino acid with dissimilar properties. This amino acid position is conserved. In addition, this alteration is predicted to be tolerated by in silico analysis. Based on the available evidence, the clinical significance of this variant remains unclear.

NM_004304.5(ALK):c.947C>G (p.Pro316Arg)

Gene: ALK (ALK receptor tyrosine kinase; minus strand). Cytogenetic location: 2p23.2.
Variant type: single nucleotide variant.
Coding change: c.947C>G on transcript NM_004304.5 (MANE Select); coding-DNA position 947, C replaced by G.
Protein change: p.Pro316Arg; replaces proline 316 with arginine.
Molecular consequence: missense variant.
Genome position (GRCh38, 1-based): chr2:29,694,855, G>C on the plus strand (C>G on the coding strand, the complement: ALK is on the minus strand). VCF-style: chr2-29694855-G-C. GRCh37 (hg19) VCF-style: chr2-29917721-G-C.
Other names: short protein forms P316R.
Identifiers: ClinVar variation 3855470 (VCV003855470.1).